The following is an entry in ClinVar:

NM_001267550.2(TTN):c.62979G>C (p.Lys20993Asn)

Genes: TTN (titin; minus strand), TTN-AS1 (TTN antisense RNA 1; plus strand). Cytogenetic location: 2q31.2.
Variant type: single nucleotide variant.
Coding change: c.62979G>C on transcript NM_001267550.2 (MANE Select); coding-DNA position 62979, G replaced by C.
Protein change: p.Lys20993Asn; replaces lysine 20993 with asparagine.
Molecular consequence: missense variant.
Genome position (GRCh38, 1-based): chr2:178,588,746, C>G on the plus strand (G>C on the coding strand, the complement: TTN is on the minus strand). VCF-style: chr2-178588746-C-G. GRCh37 (hg19) VCF-style: chr2-179453473-C-G.
Other names: c.58056G>C, p.Lys19352Asn (NM_001256850.1); c.35784G>C, p.Lys11928Asn (NM_003319.4); c.55275G>C, p.Lys18425Asn (NM_133378.4); c.36159G>C, p.Lys12053Asn (NM_133432.3); c.36360G>C, p.Lys12120Asn (NM_133437.4); short protein forms K18425N, K20993N, K11928N, K12053N, K12120N, K19352N.
Identifiers: ClinVar variation 1732839 (VCV001732839.2), dbSNP rs775732427, ClinGen allele CA1992160.

ClinVar aggregate classification (germline): Uncertain significance (1 of 4 stars; one submission).

Conditions:
Cardiovascular phenotype. Identifiers: MedGen CN230736.

Allele frequency attached by ClinVar (database versions not stated): TOPMed below 0.00001; ExAC 0.00001; gnomAD 0.00001.
gnomAD v4.1: 1 of 1,613,220 alleles (0.000062%); highest among the groups gnomAD compares: African/African-American, 0.0013%; no homozygotes.

Submission:

Ambry Genetics
Classification: Uncertain significance for Cardiovascular phenotype. Last evaluated: 2020-06-01. Review status: criteria provided, single submitter. Criteria: Ambry Variant Classification Scheme 2023. Collection method: clinical testing. Allele origin: germline.
Comment: The p.K11928N variant (also known as c.35784G>C), located in coding exon 131 of the TTN gene, results from a G to C substitution at nucleotide position 35784. The lysine at codon 11928 is replaced by asparagine, an amino acid with similar properties. This amino acid position is highly conserved in available vertebrate species. In addition, this alteration is predicted to be tolerated by in silico analysis. Since supporting evidence is limited at this time, the clinical significance of this alteration remains unclear.